The following is an entry in ClinVar:

NM_001352514.2(HLCS):c.726dup (p.Val243fs)

Gene: HLCS (holocarboxylase synthetase; minus strand). Cytogenetic location: 21q22.13.
Variant type: Duplication.
Coding change: c.726dup on transcript NM_001352514.2 (MANE Select); coding-DNA position 726, one base duplicated (C; older notation c.726dupC).
Protein change: p.Val243fs; shifts the reading frame from valine 243.
Molecular consequence: frameshift variant. On other transcripts: non-coding transcript variant (2).
Genome position (GRCh38, 1-based): chr21:36,937,160, G duplicated on the plus strand (C on the coding strand, the reverse complement: HLCS is on the minus strand); the first of 4 consecutive G bases (chr21:36,937,160-36,937,163); duplicating any one gives the same sequence. VCF-style (leftmost placement, unchanged base first): chr21-36937159-C-CG. GRCh37 (hg19) VCF-style: chr21-38309459-C-CG.
Other names: c.285dup, p.Val96fs (NM_000411.8, NM_001242784.3, NM_001242785.2 and 4 more transcripts); short protein forms V243fs, V96fs.
Identifiers: ClinVar variation 1724963 (VCV001724963.8), dbSNP rs1388238708, ClinGen allele CA638055775.

ClinVar aggregate classification (germline): Pathogenic/Likely pathogenic. Review status: criteria provided, multiple submitters, no conflicts (2 of 4 stars). 3 submissions from 3 submitters: Pathogenic (1); Likely pathogenic (2). Last evaluated 2023-04-24.

Conditions:
Holocarboxylase synthetase deficiency. Also called: MULTIPLE CARBOXYLASE DEFICIENCY, EARLY ONSET. Identifiers: Orphanet 79242, MedGen C0268581, MONDO:0009666, OMIM 253270.

Submissions (3):

Baylor Genetics
Classification: Likely pathogenic for Holocarboxylase synthetase deficiency. Last evaluated: 2023-04-24. Review status: criteria provided, single submitter. Criteria: ACMG Guidelines, 2015. Collection method: clinical testing. Allele origin: unknown.

Labcorp Genetics (formerly Invitae), Labcorp
Classification: Pathogenic for Holocarboxylase synthetase deficiency. Last evaluated: 2021-12-03. Review status: criteria provided, single submitter. Criteria: Invitae Variant Classification Sherloc (09022015). Collection method: clinical testing. Allele origin: germline.
Comment: For these reasons, this variant has been classified as Pathogenic. This variant has not been reported in the literature in individuals affected with HLCS-related conditions. This variant is present in population databases (no rsID available, gnomAD 0.0009%). This sequence change creates a premature translational stop signal (p.Val96Argfs*2) in the HLCS gene. It is expected to result in an absent or disrupted protein product. Loss-of-function variants in HLCS are known to be pathogenic (PMID: 16134170).

Myriad Genetics, Inc.
Classification: Likely pathogenic for Holocarboxylase synthetase deficiency. Last evaluated: 2021-11-25. Review status: criteria provided, single submitter. Criteria: Myriad Women's Health Autosomal Recessive and X-Linked Classification Criteria (2021). Collection method: clinical testing. Allele origin: unknown.
Comment: NM_000411.6(HLCS):c.285dupC(V96Rfs*2) is expected to be pathogenic in the context of holocarboxylase synthetase deficiency. This variant is predicted to lead to an abnormal or absent protein product due to the creation of a premature termination codon in HLCS, a gene where loss-of-function variants are known to be pathogenic. Please note: this variant was assessed in the context of healthy population screening.

Literature cited by the submitters: PubMed 16134170 (cited by Labcorp Genetics (formerly Invitae), Labcorp).